The following is an entry in ClinVar:

ClinVar aggregate classification (germline): Uncertain significance (1 of 4 stars; one submission).

Conditions:
Cardiovascular phenotype. Identifiers: MedGen CN230736.

gnomAD v4.1: 12 of 1,613,128 alleles (0.00074%); highest among the groups gnomAD compares: East Asian, 0.025%; no homozygotes.

Submission:

Ambry Genetics
Classification: Uncertain significance for Cardiovascular phenotype. Last evaluated: 2025-02-07. Review status: criteria provided, single submitter. Criteria: Ambry Variant Classification Scheme 2023. Collection method: clinical testing. Allele origin: germline.
Comment: The p.I249L variant (also known as c.745A>C), located in coding exon 5 of the GATAD1 gene, results from an A to C substitution at nucleotide position 745. The isoleucine at codon 249 is replaced by leucine, an amino acid with highly similar properties. This amino acid position is well conserved in available vertebrate species. In addition, the in silico prediction for this alteration is inconclusive. The evidence for this gene-disease relationship is limited; therefore, the clinical significance of this alteration is unclear.

NM_021167.5(GATAD1):c.745A>C (p.Ile249Leu)

Gene: GATAD1 (GATA zinc finger domain containing 1; plus strand). Cytogenetic location: 7q21.2.
Variant type: single nucleotide variant.
Coding change: c.745A>C on transcript NM_021167.5 (MANE Select); coding-DNA position 745, A replaced by C.
Protein change: p.Ile249Leu; replaces isoleucine 249 with leucine.
Molecular consequence: missense variant. On other transcripts: non-coding transcript variant (1).
Genome position (GRCh38, 1-based): chr7:92,456,497, A>C. VCF-style: chr7-92456497-A-C. GRCh37 (hg19) VCF-style: chr7-92085811-A-C.
Other names: short protein forms I249L.
Identifiers: ClinVar variation 3853054 (VCV003853054.1).